The following is an entry in ClinVar:

ClinVar aggregate classification (germline): Uncertain significance (1 of 4 stars; one submission).

Submission:

Labcorp Genetics (formerly Invitae), Labcorp
Classification: Uncertain significance. Last evaluated: 2023-07-13. Review status: criteria provided, single submitter. Criteria: Invitae Variant Classification Sherloc (09022015). Collection method: clinical testing. Allele origin: germline.
Comment: In summary, the available evidence is currently insufficient to determine the role of this variant in disease. Therefore, it has been classified as a Variant of Uncertain Significance. Advanced modeling of protein sequence and biophysical properties (such as structural, functional, and spatial information, amino acid conservation, physicochemical variation, residue mobility, and thermodynamic stability) performed at Invitae indicates that this missense variant is not expected to disrupt PACS2 protein function. This variant has not been reported in the literature in individuals affected with PACS2-related conditions. This variant is not present in population databases (gnomAD no frequency). This sequence change replaces proline, which is neutral and non-polar, with serine, which is neutral and polar, at codon 751 of the PACS2 protein (p.Pro751Ser).

NM_001100913.3(PACS2):c.2251C>T (p.Pro751Ser)

Gene: PACS2 (phosphofurin acidic cluster sorting protein 2; plus strand). Cytogenetic location: 14q32.33.
Variant type: single nucleotide variant.
Coding change: c.2251C>T on transcript NM_001100913.3 (MANE Select); coding-DNA position 2251, C replaced by T.
Protein change: p.Pro751Ser; replaces proline 751 with serine.
Molecular consequence: missense variant.
Genome position (GRCh38, 1-based): chr14:105,391,762, C>T. VCF-style: chr14-105391762-C-T. GRCh37 (hg19) VCF-style: chr14-105858099-C-T.
Other names: c.1981C>T, p.Pro661Ser (NM_001243127.3); c.2206C>T, p.Pro736Ser (NM_015197.4); short protein forms P736S, P751S, P661S.
Identifiers: ClinVar variation 2742872 (VCV002742872.3), dbSNP rs2544890291, ClinGen allele CA391186093.